The following is an entry in ClinVar:

NM_001184.4(ATR):c.7799A>G (p.Gln2600Arg)

Gene: ATR (ATR serine/threonine kinase; minus strand). Cytogenetic location: 3q23.
Variant type: single nucleotide variant.
Coding change: c.7799A>G on transcript NM_001184.4 (MANE Select); coding-DNA position 7799, A replaced by G.
Protein change: p.Gln2600Arg; replaces glutamine 2600 with arginine.
Molecular consequence: missense variant.
Genome position (GRCh38, 1-based): chr3:142,449,565, T>C on the plus strand (A>G on the coding strand, the complement: ATR is on the minus strand). VCF-style: chr3-142449565-T-C. GRCh37 (hg19) VCF-style: chr3-142168407-T-C.
Other names: c.7607A>G, p.Gln2536Arg (NM_001354579.2); short protein forms Q2600R, Q2536R.
Identifiers: ClinVar variation 3460994 (VCV003460994.1).

ClinVar aggregate classification (germline): Uncertain significance (1 of 4 stars; one submission).

Conditions:
Inborn genetic diseases. Identifiers: MedGen C0950123, MeSH D030342.

Submission:

Ambry Genetics
Classification: Uncertain significance for Inborn genetic diseases. Last evaluated: 2024-10-12. Review status: criteria provided, single submitter. Criteria: Ambry Variant Classification Scheme 2023. Collection method: clinical testing. Allele origin: germline.
Comment: The p.Q2600R variant (also known as c.7799A>G), located in coding exon 47 of the ATR gene, results from an A to G substitution at nucleotide position 7799. The glutamine at codon 2600 is replaced by arginine, an amino acid with highly similar properties. This amino acid position is conserved. In addition, this alteration is predicted to be tolerated by in silico analysis. Based on the available evidence, the clinical significance of this variant remains unclear.